The following is an entry in ClinVar:

ClinVar aggregate classification (germline): Conflicting classifications of pathogenicity. Review status: criteria provided, conflicting classifications (1 of 4 stars). 3 submissions from 3 submitters: Uncertain significance (2); Likely benign (1). Last evaluated 2026-07-01.

Conditions:
Inborn genetic diseases. Identifiers: MedGen C0950123, MeSH D030342.
Duane-radial ray syndrome (DRRS). Also called: ACRORENOOCULAR SYNDROME; DR SYNDROME; DUANE ANOMALY WITH RADIAL RAY ABNORMALITIES AND DEAFNESS; Okihiro Syndrome; Duane-Radial Ray Syndrome/Okihiro Syndrome; Duane-Radial Ray Syndrome (DRRS) / Okihiro Syndrome. Identifiers: Orphanet 93293, Orphanet 959, MedGen C1623209, MONDO:0011812, OMIM 607323. Disease mechanism: gain of function.

Allele frequency attached by ClinVar (database versions not stated): ExAC 0.00001; gnomAD 0.00006.
gnomAD v4.1: 31 of 1,604,702 alleles (0.0019%); highest among the groups gnomAD compares: Admixed American, 0.034%; no homozygotes.

Submissions (3):

CeGaT Center for Human Genetics Tuebingen
Classification: Likely benign. Last evaluated: 2026-07-01. Review status: criteria provided, single submitter. Criteria: CeGaT Center For Human Genetics Tuebingen Variant Classification Criteria Version 2. Collection method: clinical testing. Allele origin: germline. Affected: yes. Observed: 1 variant allele.
Comment: SALL4: BP4

Labcorp Genetics (formerly Invitae), Labcorp
Classification: Uncertain significance for Duane-radial ray syndrome. Last evaluated: 2025-12-17. Review status: criteria provided, single submitter. Criteria: Invitae Variant Classification Sherloc (09022015). Collection method: clinical testing. Allele origin: germline.
Comment: This sequence change replaces glycine, which is neutral and non-polar, with glutamic acid, which is acidic and polar, at codon 41 of the SALL4 protein (p.Gly41Glu). This variant is present in population databases (rs761230294, gnomAD 0.009%). This variant has not been reported in the literature in individuals affected with SALL4-related conditions. ClinVar contains an entry for this variant (Variation ID: 1957089). An algorithm developed to predict the effect of missense changes on protein structure and function outputs the following: PolyPhen-2: "Benign". The glutamic acid amino acid residue is found in multiple mammalian species, which suggests that this missense change does not adversely affect protein function. In summary, the available evidence is currently insufficient to determine the role of this variant in disease. Therefore, it has been classified as a Variant of Uncertain Significance.

Ambry Genetics
Classification: Uncertain significance for Inborn genetic diseases. Last evaluated: 2025-11-05. Review status: criteria provided, single submitter. Criteria: Ambry Variant Classification Scheme 2023. Collection method: clinical testing. Allele origin: germline.

NM_020436.5(SALL4):c.122G>A (p.Gly41Glu)

Gene: SALL4 (spalt like transcription factor 4; minus strand). Cytogenetic location: 20q13.2.
Variant type: single nucleotide variant.
Coding change: c.122G>A on transcript NM_020436.5 (MANE Select); coding-DNA position 122, G replaced by A.
Protein change: p.Gly41Glu; replaces glycine 41 with glutamic acid.
Molecular consequence: missense variant.
Genome position (GRCh38, 1-based): chr20:51,802,287, C>T on the plus strand (G>A on the coding strand, the complement: SALL4 is on the minus strand). VCF-style: chr20-51802287-C-T. GRCh37 (hg19) VCF-style: chr20-50418826-C-T.
Other names: c.122G>A, p.Gly41Glu (NM_001318031.2); short protein forms G41E.
Identifiers: ClinVar variation 1957089 (VCV001957089.8), dbSNP rs761230294, ClinGen allele CA9912554.